The following is an entry in ClinVar:

NM_000140.5(FECH):c.820G>A (p.Asp274Asn)

Gene: FECH (ferrochelatase; minus strand). Cytogenetic location: 18q21.31.
Variant type: single nucleotide variant.
Coding change: c.820G>A on transcript NM_000140.5 (MANE Select); coding-DNA position 820, G replaced by A.
Protein change: p.Asp274Asn; replaces aspartic acid 274 with asparagine.
Molecular consequence: missense variant.
Genome position (GRCh38, 1-based): chr18:57,554,937, C>T on the plus strand (G>A on the coding strand, the complement: FECH is on the minus strand). VCF-style: chr18-57554937-C-T. GRCh37 (hg19) VCF-style: chr18-55222169-C-T.
Other names: c.838G>A, p.Asp280Asn (NM_001012515.4); c.721G>A, p.Asp241Asn (NM_001371094.1); c.604G>A, p.Asp202Asn (NM_001371095.1); c.820G>A, p.Asp274Asn (NM_001374778.1); short protein forms D274N, D280N, D202N, D241N.
Identifiers: ClinVar variation 631802 (VCV000631802.7), dbSNP rs146269992, ClinGen allele CA8973080.

ClinVar aggregate classification (germline): Pathogenic. Review status: criteria provided, multiple submitters, no conflicts (2 of 4 stars). 2 submissions from 2 submitters: Pathogenic (2). Last evaluated 2024-03-05.

Conditions:
Protoporphyria, erythropoietic, 1 (EPP1). Also called: FERROCHELATASE DEFICIENCY; HEME SYNTHETASE DEFICIENCY; Erythropoietic Protoporphyria, Autosomal Recessive. Identifiers: Orphanet 79278, MedGen C4692546, MONDO:0008319, OMIM 177000.

Allele frequency attached by ClinVar (database versions not stated): gnomAD 0.00006 and 0.00007; TOPMed 0.00006; ExAC 0.00007; gnomAD exomes 0.00008; ESP Exome Variant Server 0.00015.
gnomAD v4.1: 234 of 1,613,932 alleles (0.014%); highest among the groups gnomAD compares: Non-Finnish European, 0.018%; no homozygotes.

Submissions (2):

Labcorp Genetics (formerly Invitae), Labcorp
Classification: Pathogenic. Last evaluated: 2024-03-05. Review status: criteria provided, single submitter. Criteria: Invitae Variant Classification Sherloc (09022015). Collection method: clinical testing. Allele origin: germline.
Comment: This sequence change replaces aspartic acid, which is acidic and polar, with asparagine, which is neutral and polar, at codon 274 of the FECH protein (p.Asp274Asn). This variant is present in population databases (rs146269992, gnomAD 0.02%). This missense change has been observed in individual(s) with erythropoietic protoporphyria (PMID: 16385445, 18787536, 23364466). In at least one individual the data is consistent with being in trans (on the opposite chromosome) from a pathogenic variant. ClinVar contains an entry for this variant (Variation ID: 631802). Advanced modeling of protein sequence and biophysical properties (such as structural, functional, and spatial information, amino acid conservation, physicochemical variation, residue mobility, and thermodynamic stability) performed at Invitae indicates that this missense variant is expected to disrupt FECH protein function with a positive predictive value of 80%. Experimental studies have shown that this missense change affects FECH function (PMID: 18787536). For these reasons, this variant has been classified as Pathogenic.

Illumina Laboratory Services, Illumina
Classification: Pathogenic for Protoporphyria, erythropoietic, 1. Last evaluated: 2019-01-09. Review status: criteria provided, single submitter. Criteria: ICSL Variant Classification Criteria 09 May 2019. Collection method: clinical testing. Allele origin: germline.
Comment: The FECH c.820G>A (p.Asp274Asn) missense variant has been reported in a total of five individuals with erythropoietic protoporphyria (EPP). The variant was reported in three probands from two families displaying segregation of the p.Asp274Asn variant in the compound heterozygous state with a missense variant in one family (Holme et al. 2009), and a splice variant in the second family (Balwani et al. 2013). Gouya et al. (2006) detected the variant in two unrelated subjects with EPP in a compound heterozygous state in conjunction with missense variants along with a homozygous well-characterized low-expression hypomorphic FECH variant resulting from cryptic splicing. FECH activity from patient peripheral lymphocytes from these two individuals was severely reduced compared to control values. Control data are unavailable for the p.Asp274Asn variant which is reported at a frequency of 0.0002897 in the Ashkenazi Jewish population of the Genome Aggregation Database. Holme et al. (2009) performed a functional study of the p.Asp274Asn variant in a prokaryotic expression system and reported the FECH activity was 0.8% of wild type. Based on the collective evidence, the p.Asp274Asn variant is classified as pathogenic variant for erythropoietic protoporphyria. This variant was observed by ICSL as part of a predisposition screen in an ostensibly healthy population.

Literature cited by the submitters: PubMed 16385445 (cited by Labcorp Genetics (formerly Invitae), Labcorp and Illumina Laboratory Services, Illumina); PubMed 18787536 (cited by Labcorp Genetics (formerly Invitae), Labcorp and Illumina Laboratory Services, Illumina); PubMed 23364466 (cited by Labcorp Genetics (formerly Invitae), Labcorp and Illumina Laboratory Services, Illumina).